The following is an entry in ClinVar:

ClinVar aggregate classification (germline): Benign. Review status: criteria provided, multiple submitters, no conflicts (2 of 4 stars). 2 submissions from 2 submitters: Benign (2). Last evaluated 2018-01-13.

Conditions:
Warburg micro syndrome 1 (WARBM1). Identifiers: Orphanet 2510, MedGen C1838625, MONDO:0010822, OMIM 600118.

Allele frequency attached by ClinVar (database versions not stated): gnomAD exomes 0.00116 and 0.00188; ExAC 0.00155; gnomAD 0.01012 and 0.01076; 1000 Genomes Project 30x 0.01156; TOPMed 0.01175; 1000 Genomes Project 0.01178.
gnomAD v4.1: 1,887 of 456,212 alleles (0.41%); highest among the groups gnomAD compares: African/African-American, 3.5%; 28 homozygotes.

Submissions (2):

Illumina Laboratory Services, Illumina
Classification: Benign for Warburg micro syndrome 1. Last evaluated: 2018-01-13. Review status: criteria provided, single submitter. Criteria: ICSL Variant Classification Criteria 13 December 2019. Collection method: clinical testing. Allele origin: germline.
Comment: This variant was observed in the ICSL laboratory as part of a predisposition screen in an ostensibly healthy population. It had not been previously curated by ICSL or reported in the Human Gene Mutation Database (HGMD: prior to June 1st, 2018), and was therefore a candidate for classification through an automated scoring system. Utilizing variant allele frequency, disease prevalence and penetrance estimates, and inheritance mode, an automated score was calculated to assess if this variant is too frequent to cause the disease. Based on the score and internal cut-off values, a variant classified as benign is not then subjected to further curation. The score for this variant resulted in a classification of benign for this disease.

Breakthrough Genomics
Classification: Benign. Review status: criteria provided, single submitter. Criteria: ACMG Guidelines, 2015. Collection method: not provided. Allele origin: germline. Inheritance: Autosomal recessive inheritance. Affected: yes.

NM_012233.3(RAB3GAP1):c.*995T>C

Gene: RAB3GAP1 (RAB3 GTPase activating protein catalytic subunit 1; plus strand). Cytogenetic location: 2q21.3.
Variant type: single nucleotide variant.
Coding change: c.*995T>C on transcript NM_012233.3 (MANE Select); 995 bases downstream of the stop codon, T replaced by C.
Molecular consequence: 3 prime UTR variant.
Genome position (GRCh38, 1-based): chr2:135,169,776, T>C. VCF-style: chr2-135169776-T-C. GRCh37 (hg19) VCF-style: chr2-135927346-T-C.
Other names: c.*995T>C (NM_001172435.2).
Identifiers: ClinVar variation 331145 (VCV000331145.6), dbSNP rs116237324, ClinGen allele CA1885243.